The following is an entry in ClinVar:

NM_012418.4(FSCN2):c.511G>C (p.Val171Leu)

Gene: FSCN2 (fascin actin-bundling protein 2, retinal; plus strand). Cytogenetic location: 17q25.3.
Variant type: single nucleotide variant.
Coding change: c.511G>C on transcript NM_012418.4 (MANE Select); coding-DNA position 511, G replaced by C.
Protein change: p.Val171Leu; replaces valine 171 with leucine.
Molecular consequence: missense variant.
Genome position (GRCh38, 1-based): chr17:81,529,042, G>C. VCF-style: chr17-81529042-G-C. GRCh37 (hg19) VCF-style: chr17-79496068-G-C.
Other names: c.511G>C, p.Val171Leu (NM_001077182.3); short protein forms V171L.
Identifiers: ClinVar variation 2065493 (VCV002065493.4), dbSNP rs576252520, ClinGen allele CA401471338.

ClinVar aggregate classification (germline): Uncertain significance (1 of 4 stars; one submission).

gnomAD v4.1: 23 of 1,590,122 alleles (0.0014%); highest among the groups gnomAD compares: Non-Finnish European, 0.002%; no homozygotes.

Submission:

Labcorp Genetics (formerly Invitae), Labcorp
Classification: Uncertain significance. Last evaluated: 2024-09-25. Review status: criteria provided, single submitter. Criteria: Invitae Variant Classification Sherloc (09022015). Collection method: clinical testing. Allele origin: germline.
Comment: This sequence change replaces valine, which is neutral and non-polar, with leucine, which is neutral and non-polar, at codon 171 of the FSCN2 protein (p.Val171Leu). This variant is present in population databases (no rsID available, gnomAD 0.002%). This variant has not been reported in the literature in individuals affected with FSCN2-related conditions. ClinVar contains an entry for this variant (Variation ID: 2065493). An algorithm developed to predict the effect of missense changes on protein structure and function (PolyPhen-2) suggests that this variant is likely to be disruptive. In summary, the available evidence is currently insufficient to determine the role of this variant in disease. Therefore, it has been classified as a Variant of Uncertain Significance.